The following is an entry in ClinVar:

ClinVar aggregate classification (germline): Uncertain significance (1 of 4 stars; one submission).

Allele frequency attached by ClinVar (database versions not stated): gnomAD exomes below 0.00001 and 0.00001; ExAC 0.00001; gnomAD 0.00001.
gnomAD v4.1: 13 of 1,605,194 alleles (0.00081%); highest among the groups gnomAD compares: South Asian, 0.0056%; no homozygotes.

Submission:

Labcorp Genetics (formerly Invitae), Labcorp
Classification: Uncertain significance. Last evaluated: 2022-06-20. Review status: criteria provided, single submitter. Criteria: Invitae Variant Classification Sherloc (09022015). Collection method: clinical testing. Allele origin: germline.
Comment: In summary, the available evidence is currently insufficient to determine the role of this variant in disease. Therefore, it has been classified as a Variant of Uncertain Significance. Algorithms developed to predict the effect of sequence changes on RNA splicing suggest that this variant may create or strengthen a splice site. Algorithms developed to predict the effect of missense changes on protein structure and function are either unavailable or do not agree on the potential impact of this missense change (SIFT: "Deleterious"; PolyPhen-2: "Benign"; Align-GVGD: "Class C55"). This variant has not been reported in the literature in individuals affected with CELSR2-related conditions. This variant is present in population databases (rs774384283, gnomAD 0.0009%). This sequence change replaces glutamic acid, which is acidic and polar, with lysine, which is basic and polar, at codon 1905 of the CELSR2 protein (p.Glu1905Lys).

NM_001408.3(CELSR2):c.5713G>A (p.Glu1905Lys)

Gene: CELSR2 (cadherin EGF LAG seven-pass G-type receptor 2; plus strand). Cytogenetic location: 1p13.3.
Variant type: single nucleotide variant.
Coding change: c.5713G>A on transcript NM_001408.3 (MANE Select); coding-DNA position 5713, G replaced by A.
Protein change: p.Glu1905Lys; replaces glutamic acid 1905 with lysine.
Molecular consequence: missense variant.
Genome position (GRCh38, 1-based): chr1:109,265,297, G>A. VCF-style: chr1-109265297-G-A. GRCh37 (hg19) VCF-style: chr1-109807919-G-A.
Other names: short protein forms E1905K.
Identifiers: ClinVar variation 1439281 (VCV001439281.8), dbSNP rs774384283, ClinGen allele CA987629.